The following is an entry in ClinVar:

ClinVar aggregate classification (germline): Pathogenic (1 of 4 stars; one submission).

Conditions:
Retinitis pigmentosa (RP). Identifiers: Orphanet 791, MedGen C0035334, MeSH D012174, MONDO:0019200, OMIM 268000. Inheritance: Autosomal dominant, autosomal recessive and X linked inheritance.

Submission:

Lab De Baere, Eye and Developmental Genetics Lab, Ghent University
Classification: Pathogenic for Retinitis pigmentosa. Last evaluated: 2024-10-01. Review status: criteria provided, single submitter. Criteria: ACMG Guidelines, 2015. Collection method: research. Allele origin: inherited. Affected: yes. Observed: 1 variant allele.
Comment: ACMG/AMP guidelines: PM2, PVS1, PM3_1

NM_001142800.2(EYS):c.4126_4198del (p.Ser1376fs)

Gene: EYS (EGF-like photoreceptor maintenance factor; minus strand). Cytogenetic location: 6q12.
Variant type: Deletion.
Coding change: c.4126_4198del on transcript NM_001142800.2 (MANE Select); coding-DNA positions 4126 to 4198, 73 bases deleted.
Protein change: p.Ser1376fs; shifts the reading frame from serine 1376.
Molecular consequence: frameshift variant.
Genome position (GRCh38, 1-based): chr6:64,591,669-64,591,741, 73 bases deleted. GRCh37 (hg19): chr6:65,301,563-65,301,635.
Other names: c.4126_4198del, p.Ser1376fs (NM_001292009.2); short protein forms S1376fs.
Identifiers: ClinVar variation 3544494 (VCV003544494.1).